The following is an entry in ClinVar:

NM_004247.4(EFTUD2):c.1150-3C>G

Gene: EFTUD2 (elongation factor Tu GTP binding domain containing 2; minus strand). Cytogenetic location: 17q21.31.
Variant type: single nucleotide variant.
Coding change: c.1150-3C>G on transcript NM_004247.4 (MANE Select); 3 bases into the intron before coding-DNA position 1150, C replaced by G.
Molecular consequence: intron variant.
Genome position (GRCh38, 1-based): chr17:44,865,068, G>C on the plus strand (C>G on the coding strand, the complement: EFTUD2 is on the minus strand). VCF-style: chr17-44865068-G-C. GRCh37 (hg19) VCF-style: chr17-42942436-G-C.
Other names: c.1045-3C>G (NM_001142605.2); c.1120-3C>G (NM_001258354.2); c.1150-3C>G (NM_001258353.2).
Identifiers: ClinVar variation 3360358 (VCV003360358.1).

ClinVar aggregate classification (germline): Uncertain significance (1 of 4 stars; one submission).

Submission:

GeneDx
Classification: Uncertain significance. Last evaluated: 2023-06-23. Review status: criteria provided, single submitter. Criteria: GeneDx Variant Classification Process June 2021. Collection method: clinical testing. Allele origin: germline. Affected: yes.
Comment: Not observed at significant frequency in large population cohorts (gnomAD); In silico analysis supports a deleterious effect on splicing; Has not been previously published as pathogenic or benign to our knowledge